The following is an entry in ClinVar:

ClinVar aggregate classification (germline): Uncertain significance (1 of 4 stars; one submission).

gnomAD v4.1: 3 of 1,614,120 alleles (0.00019%); highest among the groups gnomAD compares: East Asian, 0.0022%; no homozygotes.

Submission:

CeGaT Center for Human Genetics Tuebingen
Classification: Uncertain significance. Last evaluated: 2025-03-01. Review status: criteria provided, single submitter. Criteria: CeGaT Center For Human Genetics Tuebingen Variant Classification Criteria Version 2. Collection method: clinical testing. Allele origin: germline. Affected: yes. Observed: 1 variant allele.
Comment: MACF1: PM2

NM_001394062.1(MACF1):c.21004C>G (p.Leu7002Val)

Gene: MACF1 (microtubule actin crosslinking factor 1; plus strand). Cytogenetic location: 1p34.3.
Variant type: single nucleotide variant.
Coding change: c.21004C>G on transcript NM_001394062.1 (MANE Select); coding-DNA position 21004, C replaced by G.
Protein change: p.Leu7002Val; replaces leucine 7002 with valine.
Molecular consequence: missense variant.
Genome position (GRCh38, 1-based): chr1:39,455,026, C>G. VCF-style: chr1-39455026-C-G. GRCh37 (hg19) VCF-style: chr1-39920698-C-G.
Other names: c.9082C>G, p.Leu3028Val (NM_001397473.1); c.14827C>G, p.Leu4943Val (NM_012090.5); short protein forms L3028V, L4943V, L7002V.
Identifiers: ClinVar variation 3778355 (VCV003778355.7).